The following is an entry in ClinVar:

ClinVar aggregate classification (germline): Pathogenic (1 of 4 stars; one submission).

Conditions:
Spastic paraplegia. Identifiers: MedGen C0037772, HP:0001258.

Submission:

Labcorp Genetics (formerly Invitae), Labcorp
Classification: Pathogenic for Spastic paraplegia. Last evaluated: 2022-07-29. Review status: criteria provided, single submitter. Criteria: Invitae Variant Classification Sherloc (09022015). Collection method: clinical testing. Allele origin: germline.
Comment: This sequence change creates a premature translational stop signal (p.Val1278Phefs*14) in the SACS gene. While this is not anticipated to result in nonsense mediated decay, it is expected to disrupt the last 3302 amino acid(s) of the SACS protein. For these reasons, this variant has been classified as Pathogenic. This variant disrupts a region of the SACS protein in which other variant(s) (p.Asn4549Asp) have been determined to be pathogenic (PMID: 15156359, 21507954). This suggests that this is a clinically significant region of the protein, and that variants that disrupt it are likely to be disease-causing. This variant has not been reported in the literature in individuals affected with SACS-related conditions. This variant is not present in population databases (gnomAD no frequency).

Literature cited by the submitters: PubMed 15156359; PubMed 21507954.

NM_014363.6(SACS):c.3832del (p.Val1278fs)

Gene: SACS (sacsin molecular chaperone; minus strand). Cytogenetic location: 13q12.12.
Variant type: Deletion.
Coding change: c.3832del on transcript NM_014363.6 (MANE Select); coding-DNA position 3832, one base deleted (G; older notation c.3832delG).
Protein change: p.Val1278fs; shifts the reading frame from valine 1278.
Molecular consequence: frameshift variant.
Genome position (GRCh38, 1-based): chr13:23,340,044, C deleted on the plus strand (G on the coding strand, the reverse complement: SACS is on the minus strand); the first of 3 consecutive C bases (chr13:23,340,044-23,340,046); deleting any one gives the same sequence. VCF-style (leftmost placement, unchanged base first): chr13-23340043-AC-A. GRCh37 (hg19) VCF-style: chr13-23914182-AC-A.
Other names: c.3391del, p.Val1131fs (NM_001278055.2); short protein forms V1131fs, V1278fs.
Identifiers: ClinVar variation 2020345 (VCV002020345.4), dbSNP rs1555252545, ClinGen allele CA2580086889.